The following is an entry in ClinVar:

ClinVar aggregate classification (germline): Uncertain significance (1 of 4 stars; one submission).

Conditions:
Familial thoracic aortic aneurysm and aortic dissection (TAAD). Also called: Thoracic aortic aneurysms and dissections. Identifiers: Orphanet 91387, MedGen C4707243, MONDO:0019625.

Submission:

Color Diagnostics, LLC DBA Color Health
Classification: Uncertain significance for Familial thoracic aortic aneurysm and aortic dissection. Last evaluated: 2024-12-23. Review status: criteria provided, single submitter. Criteria: ACMG Guidelines, 2015. Collection method: clinical testing. Allele origin: germline.
Comment: This missense variant replaces proline with serine at codon 185 of the COL3A1 protein. Computational prediction tool is inconclusive regarding the impact of this variant on protein structure and function. To our knowledge, functional studies have not been reported for this variant. This variant has not been reported in individuals affected with COL3A1-related disorders in the literature. This variant has not been identified in the general population by the Genome Aggregation Database (gnomAD). The available evidence is insufficient to determine the role of this variant in disease conclusively. Therefore, this variant is classified as a Variant of Uncertain Significance.

NM_000090.4(COL3A1):c.553C>T (p.Pro185Ser)

Gene: COL3A1 (collagen type III alpha 1 chain; plus strand). Cytogenetic location: 2q32.2.
Variant type: single nucleotide variant.
Coding change: c.553C>T on transcript NM_000090.4 (MANE Select); coding-DNA position 553, C replaced by T.
Protein change: p.Pro185Ser; replaces proline 185 with serine.
Molecular consequence: missense variant.
Genome position (GRCh38, 1-based): chr2:188,988,105, C>T. VCF-style: chr2-188988105-C-T. GRCh37 (hg19) VCF-style: chr2-189852831-C-T.
Other names: short protein forms P185S.
Identifiers: ClinVar variation 3893886 (VCV003893886.1).